The following is an entry in ClinVar:

NM_001291088.2(WDR87):c.6906GGA[6] (p.Glu2307_Arg2308insGlu)

Gene: WDR87 (WD repeat domain 87; minus strand). Cytogenetic location: 19q13.13.
Variant type: Microsatellite.
Coding change: c.6906GGA[6] on transcript NM_001291088.2 (MANE Select); six copies in a row of the 3-base unit GGA starting at c.6906; the reference has five copies in a row; one copy, 3 bases duplicated.
Protein change: p.Glu2307_Arg2308insGlu.
Molecular consequence: inframe insertion.
Genome position (GRCh38, 1-based): chr19:37,886,751-37,886,753, TCC duplicated on the plus strand (GGA on the coding strand, the reverse complement: WDR87 is on the minus strand); duplicating any 3 consecutive bases within chr19:37,886,751-37,886,765 gives the same sequence; the position shown is the placement nearest the transcript's 3' end. VCF-style (leftmost placement, unchanged base first): chr19-37886750-T-TTCC. GRCh37 (hg19) VCF-style: chr19-38377390-T-TTCC.
Other names: c.6789GGA[6], p.Glu2268_Arg2269insGlu (NM_031951.5).
Identifiers: ClinVar variation 4691355 (VCV004691355.1).
Genomic context (GRCh38, chr19:37,886,750, plus strand): 5'-CTTCTTCTCCTCCTCTTCTTTCTCCACTTGCTTCTCCTCCCCTTCCTCCTCCTCCTTCCT[T>TTCC]TCCTCCTCCTCCTCCCTTTCCTCCTCCTCCTCCCTTTCCTCTTCTTCCTCCCTTTCCTCC-3'

ClinVar aggregate classification (germline): Uncertain significance (1 of 4 stars; one submission).

Submission:

Labcorp Genetics (formerly Invitae), Labcorp
Classification: Uncertain significance. Last evaluated: 2026-01-06. Review status: criteria provided, single submitter. Criteria: Invitae Variant Classification Sherloc (09022015). Collection method: clinical testing. Allele origin: germline.
Comment: This variant, c.6801_6803dup, results in the insertion of 1 amino acid(s) of the WDR87 protein (p.Glu2268dup), but otherwise preserves the integrity of the reading frame. The frequency data for this variant in the population databases is considered unreliable, as metrics indicate poor data quality at this position in the gnomAD database. This variant has not been reported in the literature in individuals affected with WDR87-related conditions. In summary, the available evidence is currently insufficient to determine the role of this variant in disease. Therefore, it has been classified as a Variant of Uncertain Significance.